The following is an entry in ClinVar:

ClinVar aggregate classification (germline): Uncertain significance (1 of 4 stars; one submission).

Submission:

Greenwood Genetic Center Diagnostic Laboratories, Greenwood Genetic Center
Classification: Uncertain significance. Last evaluated: 2025-01-21. Review status: criteria provided, single submitter. Criteria: ACMG Guidelines, 2015. Collection method: clinical testing. Allele origin: germline.
Comment: PM2, BS2

NM_001382241.1(TNPO2):c.1864-15G>A

Gene: TNPO2 (transportin 2; minus strand). Cytogenetic location: 19p13.13.
Variant type: single nucleotide variant.
Coding change: c.1864-15G>A on transcript NM_001382241.1 (MANE Select); 15 bases into the intron before coding-DNA position 1864, G replaced by A.
Molecular consequence: intron variant.
Genome position (GRCh38, 1-based): chr19:12,705,413, C>T on the plus strand (G>A on the coding strand, the complement: TNPO2 is on the minus strand). VCF-style: chr19-12705413-C-T. GRCh37 (hg19) VCF-style: chr19-12816227-C-T.
Other names: c.1864-15G>A (NM_001382237.1, NM_001382240.1, NM_001382238.1 and 7 more transcripts).
Identifiers: ClinVar variation 4851750 (VCV004851750.1).